The following is an entry in ClinVar:

ClinVar aggregate classification (germline): Uncertain significance. Review status: criteria provided, multiple submitters, no conflicts (2 of 4 stars). 2 submissions from 2 submitters: Uncertain significance (2). Last evaluated 2024-11-24.

Allele frequency attached by ClinVar (database versions not stated): gnomAD exomes 0.00001 and 0.00002; ExAC 0.00002; TOPMed 0.00002; gnomAD 0.00003 and 0.00004; ESP Exome Variant Server 0.00008.
gnomAD v4.1: 33 of 1,609,350 alleles (0.0021%); highest among the groups gnomAD compares: Admixed American, 0.0033%; no homozygotes.

Submissions (2):

Ambry Genetics
Classification: Uncertain significance. Last evaluated: 2024-11-24. Review status: criteria provided, single submitter. Criteria: Ambry Variant Classification Scheme 2023. Collection method: clinical testing. Allele origin: germline.

Labcorp Genetics (formerly Invitae), Labcorp
Classification: Uncertain significance. Last evaluated: 2023-07-14. Review status: criteria provided, single submitter. Criteria: Invitae Variant Classification Sherloc (09022015). Collection method: clinical testing. Allele origin: germline.
Comment: This sequence change replaces glutamic acid, which is acidic and polar, with aspartic acid, which is acidic and polar, at codon 1032 of the CCDC88A protein (p.Glu1032Asp). In summary, the available evidence is currently insufficient to determine the role of this variant in disease. Therefore, it has been classified as a Variant of Uncertain Significance. An algorithm developed to predict the effect of missense changes on protein structure and function (PolyPhen-2) suggests that this variant is likely to be disruptive. ClinVar contains an entry for this variant (Variation ID: 1410293). This variant has not been reported in the literature in individuals affected with CCDC88A-related conditions. This variant is present in population databases (rs372575449, gnomAD 0.007%).

NM_001365480.1(CCDC88A):c.3099A>C (p.Glu1033Asp)

Gene: CCDC88A (coiled-coil and HOOK domain protein 88A; minus strand). Cytogenetic location: 2p16.1.
Variant type: single nucleotide variant.
Coding change: c.3099A>C on transcript NM_001365480.1 (MANE Select); coding-DNA position 3099, A replaced by C.
Protein change: p.Glu1033Asp; replaces glutamic acid 1033 with aspartic acid.
Molecular consequence: missense variant.
Genome position (GRCh38, 1-based): chr2:55,322,591, T>G on the plus strand (A>C on the coding strand, the complement: CCDC88A is on the minus strand). VCF-style: chr2-55322591-T-G. GRCh37 (hg19) VCF-style: chr2-55549727-T-G.
Other names: c.3096A>C (NM_001135597.1); c.3096A>C, p.Glu1032Asp (NM_001135597.2, NM_001254943.2); c.3099A>C, p.Glu1033Asp (NM_018084.5); short protein forms E1033D, E1032D.
Identifiers: ClinVar variation 1410293 (VCV001410293.9), dbSNP rs372575449, ClinGen allele CA1665841.
Genomic context (GRCh38, chr2:55,322,591, plus strand): 5'-TCTTTCTACTTCAATTAATCTGTCTTTAACTTTCAGAAGTTCTCTAGTCGTTTCTTGACT[T>G]TCTCGCTCCCATTTGTTGTCTTCACCAGATATTGGAGGAGAGCTCTGTACCATCCTTTCC-3'
Protein context (NP_001352409.1, residues 1023-1043): ISGEDNKWER[Glu1033Asp]SQETTRELLK